The following is an entry in ClinVar:

ClinVar aggregate classification (germline): Likely benign (1 of 4 stars; one submission).

gnomAD v4.1: 105 of 1,613,996 alleles (0.0065%); highest among the groups gnomAD compares: African/African-American, 0.085%; no homozygotes.

Submission:

CeGaT Center for Human Genetics Tuebingen
Classification: Likely benign. Last evaluated: 2025-11-01. Review status: criteria provided, single submitter. Criteria: CeGaT Center For Human Genetics Tuebingen Variant Classification Criteria Version 2. Collection method: clinical testing. Allele origin: germline. Affected: yes. Observed: 1 variant allele.
Comment: PI4KA: BP4, BP7

NM_058004.4(PI4KA):c.5382G>A (p.Pro1794=)

Gene: PI4KA (phosphatidylinositol 4-kinase alpha; minus strand). Cytogenetic location: 22q11.21.
Variant type: single nucleotide variant.
Coding change: c.5382G>A on transcript NM_058004.4 (MANE Select); coding-DNA position 5382, G replaced by A.
Protein change: p.Pro1794=; no amino-acid change (proline 1794 retained).
Molecular consequence: synonymous variant.
Genome position (GRCh38, 1-based): chr22:20,714,636, C>T on the plus strand (G>A on the coding strand, the complement: PI4KA is on the minus strand). VCF-style: chr22-20714636-C-T. GRCh37 (hg19) VCF-style: chr22-21068924-C-T.
Other names: c.5289G>A, p.Pro1763= (NM_001362862.2); c.5316G>A, p.Pro1772= (NM_001362863.2).
Identifiers: ClinVar variation 4534238 (VCV004534238.6).